The following is an entry in ClinVar:

ClinVar aggregate classification (germline): Benign (1 of 4 stars; one submission).

Allele frequency attached by ClinVar (database versions not stated): 1000 Genomes Project 30x 0.04029; TOPMed 0.04086; 1000 Genomes Project 0.04113; gnomAD 0.04359 and 0.04603.
gnomAD v4.1: 6,977 of 152,186 alleles (4.6%); highest among the groups gnomAD compares: South Asian, 12%; 230 homozygotes.

Submission:

GeneDx
Classification: Benign. Last evaluated: 2018-06-16. Review status: criteria provided, single submitter. Criteria: GeneDx Variant Classification (06012015). Collection method: clinical testing. Allele origin: germline. Affected: yes.
Comment: This variant is considered likely benign or benign based on one or more of the following criteria: it is a conservative change, it occurs at a poorly conserved position in the protein, it is predicted to be benign by multiple in silico algorithms, and/or has population frequency not consistent with disease.

NM_001349206.2(LPIN1):c.2402+237C>T

Gene: LPIN1 (lipin 1; plus strand). Cytogenetic location: 2p25.1.
Variant type: single nucleotide variant.
Coding change: c.2402+237C>T on transcript NM_001349206.2 (MANE Select); 237 bases into the intron after coding-DNA position 2402, C replaced by T.
Molecular consequence: intron variant.
Genome position (GRCh38, 1-based): chr2:11,815,477, C>T. VCF-style: chr2-11815477-C-T. GRCh37 (hg19) VCF-style: chr2-11955603-C-T.
Other names: c.2549+237C>T (NM_001261428.3); c.2441+237C>T (NM_001349208.2); c.2492+237C>T (NM_001349207.2); c.2312+237C>T (NM_001261427.3); c.2402+237C>T (NM_001349204.2, NM_001349205.2); c.2399+237C>T (NM_001349202.2, NM_001349203.2); c.2372+237C>T (NM_001349200.2, NM_001349201.2); c.2294+237C>T (NM_001349199.2, NM_145693.4).
Identifiers: ClinVar variation 683096 (VCV000683096.1), dbSNP rs75560733, ClinGen allele CA11057743.